The following is an entry in ClinVar:

ClinVar aggregate classification (germline): Pathogenic (1 of 4 stars; one submission).

Conditions:
Retinitis pigmentosa 12 (RP12). Also called: RP WITH OR WITHOUT PPRPE; RP WITH OR WITHOUT PRESERVED PARAARTERIOLE RETINAL PIGMENT EPITHELIUM; RETINITIS PIGMENTOSA WITH OR WITHOUT PARAARTERIOLAR PRESERVATION OF RETINAL PIGMENT EPITHELIUM. Identifiers: Orphanet 791, MedGen C1838647, MONDO:0010818, OMIM 600105.
Leber congenital amaurosis 8 (LCA8). Identifiers: Orphanet 65, MedGen C3151202, MONDO:0013453, OMIM 613835.

Submission:

Labcorp Genetics (formerly Invitae), Labcorp
Classification: Pathogenic for Leber congenital amaurosis 8; Retinitis pigmentosa 12. Last evaluated: 2022-06-27. Review status: criteria provided, single submitter. Criteria: Invitae Variant Classification Sherloc (09022015). Collection method: clinical testing. Allele origin: germline.
Comment: This variant has not been reported in the literature in individuals affected with CRB1-related conditions. For these reasons, this variant has been classified as Pathogenic. This variant is not present in population databases (gnomAD no frequency). This sequence change creates a premature translational stop signal (p.Val765Leufs*24) in the CRB1 gene. It is expected to result in an absent or disrupted protein product. Loss-of-function variants in CRB1 are known to be pathogenic (PMID: 10508521, 22065545, 23379534, 25412400, 26957898, 28041643, 29391521).

Literature cited by the submitters: PubMed 10508521; PubMed 22065545; PubMed 23379534; PubMed 25412400; PubMed 26957898; PubMed 28041643; PubMed 29391521.

NM_201253.3(CRB1):c.2293_2294del (p.Val765fs)

Gene: CRB1 (crumbs cell polarity complex component 1; plus strand). Cytogenetic location: 1q31.3.
Variant type: Microsatellite.
Coding change: c.2293_2294del on transcript NM_201253.3 (MANE Select); coding-DNA positions 2293 to 2294, 2 bases deleted (GT; older notation c.2293_2294delGT).
Protein change: p.Val765fs; shifts the reading frame from valine 765.
Molecular consequence: frameshift variant. On other transcripts: non-coding transcript variant (2), intron variant (1).
Genome position (GRCh38, 1-based): chr1:197,427,618-197,427,619, GT deleted; deleting any 2 consecutive bases within chr1:197,427,616-197,427,619 gives the same sequence; the c. name uses the placement nearest the transcript's 3' end. VCF-style (leftmost placement, unchanged base first): chr1-197427615-CGT-C. GRCh37 (hg19) VCF-style: chr1-197396745-CGT-C.
Other names: c.1957_1958del, p.Val653fs (NM_001193640.2); c.2086_2087del, p.Val696fs (NM_001257965.2); c.2128+5662_2128+5663del (NM_001257966.2); short protein forms V653fs, V696fs, V765fs.
Identifiers: ClinVar variation 2011329 (VCV002011329.4), dbSNP rs2528148933, ClinGen allele CA2580611529.